The following is an entry in ClinVar:

ClinVar aggregate classification (germline): Likely benign. Review status: criteria provided, multiple submitters, no conflicts (2 of 4 stars). 3 submissions from 3 submitters: Likely benign (3). Last evaluated 2025-04-22.

Conditions:
Erythrocytosis, familial, 3 (ECYT3). Identifiers: Orphanet 247511, MedGen C1853286, MONDO:0012353, OMIM 609820.

gnomAD v4.1: 15 of 1,603,870 alleles (0.00094%); highest among the groups gnomAD compares: Admixed American, 0.0034%; no homozygotes.

Submissions (3):

Labcorp Genetics (formerly Invitae), Labcorp
Classification: Likely benign for Erythrocytosis, familial, 3. Last evaluated: 2025-04-22. Review status: criteria provided, single submitter. Criteria: Invitae Variant Classification Sherloc (09022015). Collection method: clinical testing. Allele origin: germline.

CeGaT Center for Human Genetics Tuebingen
Classification: Likely benign. Last evaluated: 2024-08-01. Review status: criteria provided, single submitter. Criteria: CeGaT Center For Human Genetics Tuebingen Variant Classification Criteria Version 2. Collection method: clinical testing. Allele origin: germline. Affected: yes. Observed: 1 variant allele.
Comment: EGLN1: BP4, BP7

Ambry Genetics
Classification: Likely benign. Last evaluated: 2022-02-27. Review status: criteria provided, single submitter. Criteria: Ambry Variant Classification Scheme 2023. Collection method: clinical testing. Allele origin: germline.

NM_022051.3(EGLN1):c.492C>G (p.Pro164=)

Gene: EGLN1 (egl-9 family hypoxia inducible factor 1; minus strand). Cytogenetic location: 1q42.2.
Variant type: single nucleotide variant.
Coding change: c.492C>G on transcript NM_022051.3 (MANE Select); coding-DNA position 492, C replaced by G.
Protein change: p.Pro164=; no amino-acid change (proline 164 retained).
Molecular consequence: synonymous variant.
Genome position (GRCh38, 1-based): chr1:231,421,397, G>C on the plus strand (C>G on the coding strand, the complement: EGLN1 is on the minus strand). VCF-style: chr1-231421397-G-C. GRCh37 (hg19) VCF-style: chr1-231557143-G-C.
Other names: c.492C>G, p.Pro164= (NM_001377260.1, NM_001377261.1).
Identifiers: ClinVar variation 1744172 (VCV001744172.20), dbSNP rs776956500, ClinGen allele CA1453168.